The following is an entry in ClinVar:

NM_000297.4(PKD2):c.2286C>G (p.Tyr762Ter)

Gene: PKD2 (polycystin 2, transient receptor potential cation channel; plus strand). Cytogenetic location: 4q22.1.
Variant type: single nucleotide variant.
Coding change: c.2286C>G on transcript NM_000297.4 (MANE Select); coding-DNA position 2286, C replaced by G.
Protein change: p.Tyr762Ter; replaces tyrosine 762 with a stop codon.
Molecular consequence: nonsense. On other transcripts: non-coding transcript variant (1).
Genome position (GRCh38, 1-based): chr4:88,065,807, C>G. VCF-style: chr4-88065807-C-G. GRCh37 (hg19) VCF-style: chr4-88986959-C-G.
Other names: short protein forms Y762*.
Identifiers: ClinVar variation 997311 (VCV000997311.1), dbSNP rs555242193, ClinGen allele CA357625033.

ClinVar aggregate classification (germline): Pathogenic (0 of 4 stars; one submission).

Conditions:
Polycystic kidney disease. Also called: Polycystic kidney dysplasia; Kidney, Polycystic. Identifiers: MedGen C0022680, MeSH D007690, MONDO:0020642, HP:0000113.

Submission:

Department of Pathology and Laboratory Medicine, Sinai Health System
Classification: Pathogenic for Polycystic Kidney disease. Review status: no assertion criteria provided. Collection method: clinical testing. Allele origin: unknown. Affected: yes. Study: The Canadian Open Genetics Repository (COGR).
Comment: The PKD2 p.Tyr762X variant was not identified in the literature nor was it identified in the dbSNP, ClinVar, GeneInsight-COGR, LOVD 3.0, ADPKD Mutation Database, PKD1-LOVD, databases. The variant was not identified in the following control databases: the 1000 Genomes Project, the NHLBI GO Exome Sequencing Project, the Exome Aggregation Consortium (August 8th 2016), or the Genome Aggregation Database (Feb 27, 2017). The p.Tyr762X variant leads to a premature stop codon at position 762 which is predicted to lead to a truncated or absent protein and loss of function. Loss of function variants of the PKD2 gene are an established mechanism of disease in ADPKD and is the type of variant expected to cause the disorder. Please note another variant, c.2286C>A at the same position with different nucleotide change and same amino acid change, p.Tyr762X was found in ADPKD Mutation Database and was classified as Definitely Pathogenic. The c.2286C>A was also found in 2 families with ADPKD (Veldhuisen 1997). In summary, based on the above information, this variant meets our laboratoryâ€šÃ„Ã´s criteria to be classified as pathogenic.